The following is an entry in ClinVar:

NM_000282.4(PCCA):c.645T>G (p.Pro215=)

Gene: PCCA (propionyl-CoA carboxylase subunit alpha; plus strand). Cytogenetic location: 13q32.3.
Variant type: single nucleotide variant.
Coding change: c.645T>G on transcript NM_000282.4 (MANE Select); coding-DNA position 645, T replaced by G.
Protein change: p.Pro215=; no amino-acid change (proline 215 retained).
Molecular consequence: synonymous variant. On other transcripts: non-coding transcript variant (5), intron variant (3).
Genome position (GRCh38, 1-based): chr13:100,257,602, T>G. VCF-style: chr13-100257602-T-G. GRCh37 (hg19) VCF-style: chr13-100909856-T-G.
Other names: c.567T>G, p.Pro189= (NM_001127692.3, NM_001352607.2, NM_001352608.2); c.645T>G, p.Pro215= (NM_001178004.2, NM_001352605.2, NM_001352606.2 and 1 more transcripts); c.-229-5127T>G (NM_001352610.2, NM_001352611.2, NM_001352612.2).
Identifiers: ClinVar variation 510998 (VCV000510998.34), dbSNP rs751840442, ClinGen allele CA7033322.

ClinVar aggregate classification (germline): Likely benign. Review status: criteria provided, multiple submitters, no conflicts (2 of 4 stars). 4 submissions from 4 submitters: Likely benign (3). 1 of the submissions does not count toward it. Last evaluated 2026-02-01.

Conditions:
Propionic acidemia (PROP). Also called: GLYCINEMIA, KETOTIC; HYPERGLYCINEMIA WITH KETOACIDOSIS AND LEUKOPENIA; KETOTIC HYPERGLYCINEMIA. Identifiers: Orphanet 35, MedGen C0268579, MONDO:0011628, OMIM 606054, HP:0003571.

Allele frequency attached by ClinVar (database versions not stated): gnomAD 0.00004; TOPMed 0.00006.
gnomAD v4.1: 115 of 1,612,806 alleles (0.0071%); highest among the groups gnomAD compares: Non-Finnish European, 0.0089%; no homozygotes.

Submissions (4):

Labcorp Genetics (formerly Invitae), Labcorp
Classification: Likely benign for Propionic acidemia. Last evaluated: 2026-02-01. Review status: criteria provided, single submitter. Criteria: Invitae Variant Classification Sherloc (09022015). Collection method: clinical testing. Allele origin: germline.

CeGaT Center for Human Genetics Tuebingen
Classification: Likely benign. Last evaluated: 2022-11-01. Review status: criteria provided, single submitter. Criteria: CeGaT Center For Human Genetics Tuebingen Variant Classification Criteria Version 2. Collection method: clinical testing. Allele origin: germline. Affected: yes. Observed: 1 variant allele.
Comment: PCCA: BP4, BP7

GeneDx
Classification: Likely benign. Last evaluated: 2017-08-10. Review status: criteria provided, single submitter. Criteria: GeneDx Variant Classification (06012015). Collection method: clinical testing. Allele origin: germline. Affected: yes.
Comment: This variant is considered likely benign or benign based on one or more of the following criteria: it is a conservative change, it occurs at a poorly conserved position in the protein, it is predicted to be benign by multiple in silico algorithms, and/or has population frequency not consistent with disease.

Natera, Inc.
Classification: Likely benign for Propionic acidemia. Last evaluated: 2020-09-16. Review status: no assertion criteria provided. Collection method: clinical testing. Allele origin: germline. Not counted in ClinVar's aggregate classification.